The following is an entry in ClinVar:

NM_203290.4(POLR1C):c.713A>T (p.Asp238Val)

Gene: POLR1C (RNA polymerase I and III subunit C; plus strand). Cytogenetic location: 6p21.1.
Variant type: single nucleotide variant.
Coding change: c.713A>T on transcript NM_203290.4 (MANE Select); coding-DNA position 713, A replaced by T.
Protein change: p.Asp238Val; replaces aspartic acid 238 with valine.
Molecular consequence: missense variant.
Genome position (GRCh38, 1-based): chr6:43,520,682, A>T. VCF-style: chr6-43520682-A-T. GRCh37 (hg19) VCF-style: chr6-43488420-A-T.
Other names: c.713A>T, p.Asp238Val (NM_001318876.2, NM_001363658.2); short protein forms D238V.
Identifiers: ClinVar variation 4704532 (VCV004704532.1).

ClinVar aggregate classification (germline): Uncertain significance (1 of 4 stars; one submission).

Submission:

Labcorp Genetics (formerly Invitae), Labcorp
Classification: Uncertain significance. Last evaluated: 2025-12-15. Review status: criteria provided, single submitter. Criteria: Invitae Variant Classification Sherloc (09022015). Collection method: clinical testing. Allele origin: germline.
Comment: This sequence change replaces aspartic acid, which is acidic and polar, with valine, which is neutral and non-polar, at codon 238 of the POLR1C protein (p.Asp238Val). This variant is not present in population databases (gnomAD no frequency). This variant has not been reported in the literature in individuals affected with POLR1C-related conditions. Invitae Evidence Modeling of protein sequence and biophysical properties (such as structural, functional, and spatial information, amino acid conservation, physicochemical variation, residue mobility, and thermodynamic stability) indicates that this missense variant is not expected to disrupt POLR1C protein function with a negative predictive value of 80%. In summary, the available evidence is currently insufficient to determine the role of this variant in disease. Therefore, it has been classified as a Variant of Uncertain Significance.